The following is an entry in ClinVar:

ClinVar aggregate classification (germline): Uncertain significance (1 of 4 stars; one submission).

Submission:

Ambry Genetics
Classification: Uncertain significance. Last evaluated: 2023-09-06. Review status: criteria provided, single submitter. Criteria: Ambry Variant Classification Scheme 2023. Collection method: clinical testing. Allele origin: germline.
Comment: The p.N1370S variant (also known as c.4109A>G), located in coding exon 4 of the ALPK2 gene, results from an A to G substitution at nucleotide position 4109. The asparagine at codon 1370 is replaced by serine, an amino acid with highly similar properties. This amino acid position is conserved. In addition, this alteration is predicted to be tolerated by in silico analysis. Since supporting evidence is limited at this time, the clinical significance of this alteration remains unclear.

NM_052947.4(ALPK2):c.4109A>G (p.Asn1370Ser)

Genes: ALPK2 (alpha kinase 2; minus strand), LOC126862764 (BRD4-independent group 4 enhancer GRCh37_chr18:56202574-56203773; plus strand). Cytogenetic location: 18q21.31.
Variant type: single nucleotide variant.
Coding change: c.4109A>G on transcript NM_052947.4 (MANE Select); coding-DNA position 4109, A replaced by G.
Protein change: p.Asn1370Ser; replaces asparagine 1370 with serine.
Molecular consequence: missense variant.
Genome position (GRCh38, 1-based): chr18:58,536,078, T>C on the plus strand (A>G on the coding strand, the complement: ALPK2 is on the minus strand). VCF-style: chr18-58536078-T-C. GRCh37 (hg19) VCF-style: chr18-56203310-T-C.
Other names: short protein forms N1370S.
Identifiers: ClinVar variation 2626044 (VCV002626044.2), dbSNP rs2518875438, ClinGen allele CA402564312.